The following is an entry in ClinVar:

NM_006947.4(SRP72):c.1484A>G (p.Asp495Gly)

Gene: SRP72 (signal recognition particle 72; plus strand). Cytogenetic location: 4q12.
Variant type: single nucleotide variant.
Coding change: c.1484A>G on transcript NM_006947.4 (MANE Select); coding-DNA position 1484, A replaced by G.
Protein change: p.Asp495Gly; replaces aspartic acid 495 with glycine.
Molecular consequence: missense variant. On other transcripts: non-coding transcript variant (1).
Genome position (GRCh38, 1-based): chr4:56,490,627, A>G. VCF-style: chr4-56490627-A-G. GRCh37 (hg19) VCF-style: chr4-57356793-A-G.
Other names: c.1301A>G, p.Asp434Gly (NM_001267722.2); short protein forms D434G, D495G.
Identifiers: ClinVar variation 1326834 (VCV001326834.12), dbSNP rs376866344, ClinGen allele CA97607587.

ClinVar aggregate classification (germline): Uncertain significance. Review status: criteria provided, multiple submitters, no conflicts (2 of 4 stars). 3 submissions from 3 submitters: Uncertain significance (3). Last evaluated 2024-11-23.

Allele frequency attached by ClinVar (database versions not stated): TOPMed 0.00002; gnomAD 0.00003 and 0.00004; gnomAD exomes 0.00005; ESP Exome Variant Server 0.00008.
gnomAD v4.1: 80 of 1,613,824 alleles (0.005%); highest among the groups gnomAD compares: Non-Finnish European, 0.0063%; no homozygotes.

Submissions (3):

Ambry Genetics
Classification: Uncertain significance. Last evaluated: 2024-11-23. Review status: criteria provided, single submitter. Criteria: Ambry Variant Classification Scheme 2023. Collection method: clinical testing. Allele origin: germline.
Comment: The p.D495G variant (also known as c.1484A>G), located in coding exon 15 of the SRP72 gene, results from an A to G substitution at nucleotide position 1484. The aspartic acid at codon 495 is replaced by glycine, an amino acid with similar properties. This amino acid position is conserved. In addition, this alteration is predicted to be deleterious by in silico analysis. Based on the available evidence, the clinical significance of this variant remains unclear.

Labcorp Genetics (formerly Invitae), Labcorp
Classification: Uncertain significance. Last evaluated: 2024-10-25. Review status: criteria provided, single submitter. Criteria: Invitae Variant Classification Sherloc (09022015). Collection method: clinical testing. Allele origin: germline.
Comment: This sequence change replaces aspartic acid, which is acidic and polar, with glycine, which is neutral and non-polar, at codon 495 of the SRP72 protein (p.Asp495Gly). This variant is present in population databases (rs376866344, gnomAD 0.01%). This variant has not been reported in the literature in individuals affected with SRP72-related conditions. ClinVar contains an entry for this variant (Variation ID: 1326834). Invitae Evidence Modeling of protein sequence and biophysical properties (such as structural, functional, and spatial information, amino acid conservation, physicochemical variation, residue mobility, and thermodynamic stability) has been performed for this missense variant. However, the output from this modeling did not meet the statistical confidence thresholds required to predict the impact of this variant on SRP72 protein function. Algorithms developed to predict the effect of sequence changes on RNA splicing suggest that this variant may disrupt the consensus splice site. In summary, the available evidence is currently insufficient to determine the role of this variant in disease. Therefore, it has been classified as a Variant of Uncertain Significance.

GeneDx
Classification: Uncertain significance. Last evaluated: 2024-06-25. Review status: criteria provided, single submitter. Criteria: GeneDx Variant Classification Process June 2021. Collection method: clinical testing. Allele origin: germline. Affected: yes.
Comment: In silico analysis supports that this missense variant has a deleterious effect on protein structure/function; Has not been previously published as pathogenic or benign to our knowledge; In silico analysis is inconclusive as to whether the variant alters gene splicing. In the absence of RNA/functional studies, the actual effect of this sequence change is unknown.